The following is an entry in ClinVar:

ClinVar aggregate classification (germline): Uncertain significance (1 of 4 stars; one submission).

Allele frequency attached by ClinVar (database versions not stated): gnomAD exomes below 0.00001.

Submission:

Labcorp Genetics (formerly Invitae), Labcorp
Classification: Uncertain significance. Last evaluated: 2024-10-15. Review status: criteria provided, single submitter. Criteria: Invitae Variant Classification Sherloc (09022015). Collection method: clinical testing. Allele origin: germline.
Comment: This sequence change replaces glutamic acid, which is acidic and polar, with valine, which is neutral and non-polar, at codon 1674 of the VPS13D protein (p.Glu1674Val). This variant is not present in population databases (gnomAD no frequency). This variant has not been reported in the literature in individuals affected with VPS13D-related conditions. ClinVar contains an entry for this variant (Variation ID: 1943409). Invitae Evidence Modeling of protein sequence and biophysical properties (such as structural, functional, and spatial information, amino acid conservation, physicochemical variation, residue mobility, and thermodynamic stability) indicates that this missense variant is expected to disrupt VPS13D protein function with a positive predictive value of 80%. In summary, the available evidence is currently insufficient to determine the role of this variant in disease. Therefore, it has been classified as a Variant of Uncertain Significance.

NM_015378.4(VPS13D):c.5021A>T (p.Glu1674Val)

Gene: VPS13D (vacuolar protein sorting 13 homolog D; plus strand). Cytogenetic location: 1p36.22.
Variant type: single nucleotide variant.
Coding change: c.5021A>T on transcript NM_015378.4 (MANE Select); coding-DNA position 5021, A replaced by T.
Protein change: p.Glu1674Val; replaces glutamic acid 1674 with valine.
Molecular consequence: missense variant.
Genome position (GRCh38, 1-based): chr1:12,283,123, A>T. VCF-style: chr1-12283123-A-T. GRCh37 (hg19) VCF-style: chr1-12343180-A-T.
Other names: c.5021A>T, p.Glu1674Val (NM_018156.4); short protein forms E1674V.
Identifiers: ClinVar variation 1943409 (VCV001943409.5), dbSNP rs1038571319, ClinGen allele CA18047175.